The following is an entry in ClinVar:

NM_153240.5(NPHP3):c.2183C>G (p.Ala728Gly)

Genes: NPHP3 (nephrocystin 3; minus strand), NPHP3-ACAD11 (NPHP3-ACAD11 readthrough (NMD candidate); minus strand). Cytogenetic location: 3q22.1.
Variant type: single nucleotide variant.
Coding change: c.2183C>G on transcript NM_153240.5 (MANE Select); coding-DNA position 2183, C replaced by G.
Protein change: p.Ala728Gly; replaces alanine 728 with glycine.
Molecular consequence: missense variant. On other transcripts: non-coding transcript variant (1).
Genome position (GRCh38, 1-based): chr3:132,694,954, G>C on the plus strand (C>G on the coding strand, the complement: NPHP3 is on the minus strand). VCF-style: chr3-132694954-G-C. GRCh37 (hg19) VCF-style: chr3-132413798-G-C.
Other names: short protein forms A728G.
Identifiers: ClinVar variation 1430673 (VCV001430673.6), dbSNP rs2107974706, ClinGen allele CA354581893.
Genomic context (GRCh38, chr3:132,694,954, plus strand): 5'-TATAATGAAAGAGTATCTTGACACTGGAAACACTGATGAAGGATTTTATCTAAATTGCCT[G>C]CTCTCCCAGCACTGTTGGAATCGAGAAGAGATTTAATTTCTTACAGATTGCCAACATCTG-3'
Protein context (NP_694972.3, residues 718-738): FGKMIARAGR[Ala728Gly]GNLDKILHQC

ClinVar aggregate classification (germline): Uncertain significance (1 of 4 stars; one submission).

Conditions:
Nephronophthisis. Also called: Juvenile Nephronophthisis. Identifiers: Orphanet 655, MedGen C0687120, MONDO:0019005, HP:0000090.

Submission:

Labcorp Genetics (formerly Invitae), Labcorp
Classification: Uncertain significance for Nephronophthisis. Last evaluated: 2024-12-02. Review status: criteria provided, single submitter. Criteria: Invitae Variant Classification Sherloc (09022015). Collection method: clinical testing. Allele origin: germline.
Comment: This sequence change replaces alanine, which is neutral and non-polar, with glycine, which is neutral and non-polar, at codon 728 of the NPHP3 protein (p.Ala728Gly). This variant is not present in population databases (gnomAD no frequency). This variant has not been reported in the literature in individuals affected with NPHP3-related conditions. ClinVar contains an entry for this variant (Variation ID: 1430673). Invitae Evidence Modeling of protein sequence and biophysical properties (such as structural, functional, and spatial information, amino acid conservation, physicochemical variation, residue mobility, and thermodynamic stability) indicates that this missense variant is not expected to disrupt NPHP3 protein function with a negative predictive value of 80%. In summary, the available evidence is currently insufficient to determine the role of this variant in disease. Therefore, it has been classified as a Variant of Uncertain Significance.